The following is an entry in ClinVar:

ClinVar aggregate classification (germline): Conflicting classifications of pathogenicity. Review status: criteria provided, conflicting classifications (1 of 4 stars). 4 submissions from 4 submitters: Uncertain significance (2); Likely benign (1). 1 of the submissions does not count toward it. Last evaluated 2024-04-04.

Conditions:
ANK3-related disorder. Also called: ANK3-related condition.
Inborn genetic diseases. Identifiers: MedGen C0950123, MeSH D030342.

Allele frequency attached by ClinVar (database versions not stated): TOPMed 0.00003; ESP Exome Variant Server 0.00008; gnomAD 0.00010; gnomAD exomes 0.00010; ExAC 0.00017.
gnomAD v4.1: 150 of 1,614,020 alleles (0.0093%); highest among the groups gnomAD compares: Non-Finnish European, 0.011%; 1 homozygote.

Submissions (4):

Labcorp Genetics (formerly Invitae), Labcorp
Classification: Uncertain significance. Last evaluated: 2024-04-04. Review status: criteria provided, single submitter. Criteria: Invitae Variant Classification Sherloc (09022015). Collection method: clinical testing. Allele origin: germline.
Comment: This sequence change replaces histidine, which is basic and polar, with leucine, which is neutral and non-polar, at codon 4370 of the ANK3 protein (p.His4370Leu). This variant is present in population databases (rs141713197, gnomAD 0.02%). This variant has not been reported in the literature in individuals affected with ANK3-related conditions. ClinVar contains an entry for this variant (Variation ID: 388970). An algorithm developed to predict the effect of missense changes on protein structure and function (PolyPhen-2) suggests that this variant is likely to be tolerated. In summary, the available evidence is currently insufficient to determine the role of this variant in disease. Therefore, it has been classified as a Variant of Uncertain Significance.

Ambry Genetics
Classification: Likely benign for Inborn genetic diseases. Last evaluated: 2023-01-06. Review status: criteria provided, single submitter. Criteria: Ambry Variant Classification Scheme 2023. Collection method: clinical testing. Allele origin: germline.

GeneDx
Classification: Uncertain significance. Last evaluated: 2016-09-13. Review status: criteria provided, single submitter. Criteria: GeneDx Variant Classification (06012015). Collection method: clinical testing. Allele origin: germline. Affected: yes.
Comment: A variant of uncertain significance has been identified in the ANK3 gene. The H4370L variant has not been published as a pathogenic variant, nor has it been reported as a benign variant to our knowledge. It was not observed with any significant frequency in approximately 6,500 individuals of European and African American ancestry in the NHLBI Exome Sequencing Project. The H4370L variant is a non-conservative amino acid substitution, which is likely to impact secondary protein structure as these residues differ in polarity, charge, size and/or other properties. However, this substitution occurs at a position that is not conserved. In silico analysis is inconsistent in its predictions as to whether or not the H4370L variant is damaging to the protein structure/function. Based on the currently available information, it is unclear whether this variant is a pathogenic variant or a rare benign variant.

PreventionGenetics, part of Exact Sciences
Classification: Uncertain significance for ANK3-related condition. Last evaluated: 2024-01-04. Review status: no assertion criteria provided. Collection method: clinical testing. Allele origin: germline. Not counted in ClinVar's aggregate classification.
Comment: The ANK3 c.13109A>T variant is predicted to result in the amino acid substitution p.His4370Leu. To our knowledge, this variant has not been reported in the literature. This variant is reported in 0.019% of alleles in individuals of European (Non-Finnish) descent in gnomAD. At this time, the clinical significance of this variant is uncertain due to the absence of conclusive functional and genetic evidence.

NM_020987.5(ANK3):c.13109A>T (p.His4370Leu)

Gene: ANK3 (ankyrin 3; minus strand). Cytogenetic location: 10q21.2.
Variant type: single nucleotide variant.
Coding change: c.13109A>T on transcript NM_020987.5 (MANE Select); coding-DNA position 13109, A replaced by T.
Protein change: p.His4370Leu; replaces histidine 4370 with leucine.
Molecular consequence: missense variant.
Genome position (GRCh38, 1-based): chr10:60,042,716, T>A on the plus strand (A>T on the coding strand, the complement: ANK3 is on the minus strand). VCF-style: chr10-60042716-T-A. GRCh37 (hg19) VCF-style: chr10-61802474-T-A.
Other names: c.2981A>T, p.His994Leu (NM_001149.4); c.5561A>T, p.His1854Leu (NM_001204403.2); c.5582A>T, p.His1861Leu (NM_001204404.2); c.5579A>T, p.His1860Leu (NM_001320874.2); c.13109A>T (NM_020987.4); short protein forms H1854L, H4370L, H1860L, H1861L, H994L.
Identifiers: ClinVar variation 388970 (VCV000388970.14), dbSNP rs141713197, ClinGen allele CA5510633.